The following is an entry in ClinVar:

ClinVar aggregate classification (germline): Conflicting classifications of pathogenicity. Review status: criteria provided, conflicting classifications (1 of 4 stars). 7 submissions from 7 submitters: Uncertain significance (3); Benign (1); Likely benign (3). Last evaluated 2026-01-15.

Conditions:
Bethlem myopathy 1A. Also called: Bethlem myopathy 1; Bethlem Muscular Dystrophy; MYOPATHY, BENIGN CONGENITAL, WITH CONTRACTURES. Identifiers: Orphanet 610, MedGen CN029274, MONDO:0024530, OMIM 158810.
Dystonia 27 (DYT27). Identifiers: Orphanet 464440, MedGen C4225336, MONDO:0014627, OMIM 616411.
Collagen 6-related myopathy. Identifiers: MedGen CN117976, MONDO:0100225.

Allele frequency attached by ClinVar (database versions not stated): gnomAD exomes 0.00014 and 0.00026; ExAC 0.00027; ESP Exome Variant Server 0.00031; gnomAD 0.00061 and 0.00066; TOPMed 0.00071; 1000 Genomes Project 30x 0.00078; 1000 Genomes Project 0.00080.
gnomAD v4.1: 337 of 1,614,056 alleles (0.021%); highest among the groups gnomAD compares: African/African-American, 0.17%; no homozygotes.

Submissions (7):

Labcorp Genetics (formerly Invitae), Labcorp
Classification: Likely benign for Bethlem myopathy 1A. Last evaluated: 2026-01-15. Review status: criteria provided, single submitter. Criteria: Invitae Variant Classification Sherloc (09022015). Collection method: clinical testing. Allele origin: germline.

Blueprint Genetics
Classification: Uncertain significance. Last evaluated: 2024-07-18. Review status: criteria provided, single submitter. Criteria: ACMG Guidelines, 2015. Collection method: clinical testing. Allele origin: germline.

Mayo Clinic Laboratories, Mayo Clinic
Classification: Uncertain significance. Last evaluated: 2024-02-01. Review status: criteria provided, single submitter. Criteria: ACMG Guidelines, 2015. Collection method: clinical testing. Allele origin: germline. Observed: 4 variant alleles.
Comment: BP4

Revvity Omics, Revvity
Classification: Likely benign. Last evaluated: 2023-12-11. Review status: criteria provided, single submitter. Criteria: ACMG Guidelines, 2015. Collection method: clinical testing. Allele origin: germline.

GeneDx
Classification: Likely benign. Last evaluated: 2019-11-18. Review status: criteria provided, single submitter. Criteria: GeneDx Variant Classification Process June 2021. Collection method: clinical testing. Allele origin: germline. Affected: yes.
Comment: In silico analysis, which includes protein predictors and evolutionary conservation, supports that this variant does not alter protein structure/function; Reported as heterozygous variant in individual with reported clinically-suspected limb-girdle muscular dystrophy; however, a second variant in COL6A3 was not identified and additional clinical information was not provided (Nallamilli et al., 2018); This variant is associated with the following publications: (PMID: 30564623)

Illumina Laboratory Services, Illumina
Classification: Benign for Collagen VI-related myopathy. Last evaluated: 2018-01-12. Review status: criteria provided, single submitter. Criteria: ICSL Variant Classification Criteria 13 December 2019. Collection method: clinical testing. Allele origin: germline.
Comment: This variant was observed in the ICSL laboratory as part of a predisposition screen in an ostensibly healthy population. It had not been previously curated by ICSL or reported in the Human Gene Mutation Database (HGMD: prior to June 1st, 2018), and was therefore a candidate for classification through an automated scoring system. Utilizing variant allele frequency, disease prevalence and penetrance estimates, and inheritance mode, an automated score was calculated to assess if this variant is too frequent to cause the disease. Based on the score and internal cut-off values, a variant classified as benign is not then subjected to further curation. The score for this variant resulted in a classification of benign for this disease.

Eurofins Ntd Llc (ga)
Classification: Uncertain significance. Last evaluated: 2017-10-04. Review status: criteria provided, single submitter. Criteria: EGL Classification Definitions 2015. Collection method: clinical testing. Allele origin: germline. Observed: 7 variant alleles, 7 heterozygotes.

Literature cited by the submitters: PubMed 30564623 (cited by Mayo Clinic Laboratories, Mayo Clinic).

NM_004369.4(COL6A3):c.3902G>A (p.Arg1301Gln)

Gene: COL6A3 (collagen type VI alpha 3 chain; minus strand). Cytogenetic location: 2q37.3.
Variant type: single nucleotide variant.
Coding change: c.3902G>A on transcript NM_004369.4 (MANE Select); coding-DNA position 3902, G replaced by A.
Protein change: p.Arg1301Gln; replaces arginine 1301 with glutamine.
Molecular consequence: missense variant.
Genome position (GRCh38, 1-based): chr2:237,372,115, C>T on the plus strand (G>A on the coding strand, the complement: COL6A3 is on the minus strand). VCF-style: chr2-237372115-C-T. GRCh37 (hg19) VCF-style: chr2-238280758-C-T.
Other names: p.Arg1301Gln; c.2681G>A, p.Arg894Gln (NM_057164.5); c.3284G>A, p.Arg1095Gln (NM_057165.5, NM_057167.4); c.2081G>A, p.Arg694Gln (NM_057166.5); short protein forms R1301Q, R694Q, R894Q, R1095Q.
Identifiers: ClinVar variation 282774 (VCV000282774.26), dbSNP rs148038440, ClinGen allele CA2189048.